The following is an entry in ClinVar:

NM_004100.5(EYA4):c.202A>G (p.Thr68Ala)

Gene: EYA4 (EYA transcriptional coactivator and phosphatase 4; plus strand). Cytogenetic location: 6q23.2.
Variant type: single nucleotide variant.
Coding change: c.202A>G on transcript NM_004100.5 (MANE Select); coding-DNA position 202, A replaced by G.
Protein change: p.Thr68Ala; replaces threonine 68 with alanine.
Molecular consequence: missense variant.
Genome position (GRCh38, 1-based): chr6:133,446,748, A>G. VCF-style: chr6-133446748-A-G. GRCh37 (hg19) VCF-style: chr6-133767886-A-G.
Other names: c.202A>G, p.Thr68Ala (NM_001301012.2, NM_001301013.2, NM_001370458.1 and 3 more transcripts); short protein forms T68A.
Identifiers: ClinVar variation 1784722 (VCV001784722.2), dbSNP rs2534339679, ClinGen allele CA365838153.
Genomic context (GRCh38, chr6:133,446,748, plus strand): 5'-CCAGGTAGCTCCAAACTGGAAAAATCTAATCTCAGCAGCACATCAGTTACTACAAATGGG[A>G]CAGGAGGTAAGTGTACTACCCTGAAGATACCCAGAATCATATTTCAATGTTTGCTTTAAT-3'
Protein context (NP_004091.3, residues 58-78): LSSTSVTTNG[Thr68Ala]GGENMTVLNT

ClinVar aggregate classification (germline): Uncertain significance (1 of 4 stars; one submission).

Conditions:
Cardiovascular phenotype. Identifiers: MedGen CN230736.

Submission:

Ambry Genetics
Classification: Uncertain significance for Cardiovascular phenotype. Last evaluated: 2022-07-14. Review status: criteria provided, single submitter. Criteria: Ambry Variant Classification Scheme 2023. Collection method: clinical testing. Allele origin: germline.
Comment: The p.T68A variant (also known as c.202A>G), located in coding exon 3 of the EYA4 gene, results from an A to G substitution at nucleotide position 202. The threonine at codon 68 is replaced by alanine, an amino acid with similar properties. This amino acid position is conserved. In addition, the in silico prediction for this alteration is inconclusive. Since supporting evidence is limited at this time, the clinical significance of this alteration remains unclear.